The following is an entry in ClinVar:

NM_005475.3(SH2B3):c.1169T>C (p.Leu390Pro)

Gene: SH2B3 (SH2B adaptor protein 3; plus strand). Cytogenetic location: 12q24.12.
Variant type: single nucleotide variant.
Coding change: c.1169T>C on transcript NM_005475.3 (MANE Select); coding-DNA position 1169, T replaced by C.
Protein change: p.Leu390Pro; replaces leucine 390 with proline.
Molecular consequence: missense variant.
Genome position (GRCh38, 1-based): chr12:111,447,477, T>C. VCF-style: chr12-111447477-T-C. GRCh37 (hg19) VCF-style: chr12-111885281-T-C.
Other names: c.563T>C, p.Leu188Pro (NM_001291424.1); short protein forms L188P, L390P.
Identifiers: ClinVar variation 4163921 (VCV004163921.1).
Genomic context (GRCh38, chr12:111,447,477, plus strand): 5'-CCAGAGTGAAAGCAGCTCAGCTGGTTCAGCTGCAGGGCCCTGATGCTCATGGAGTGTTCC[T>C]GGTGCGGCAGAGCGAGACGCGGCGTGGGGAATACGTGCTCACTTTCAACTTTCAGGGGAT-3'
Protein context (NP_005466.1, residues 380-400): LQGPDAHGVF[Leu390Pro]VRQSETRRGE

ClinVar aggregate classification (germline): Uncertain significance (1 of 4 stars; one submission).

Conditions:
Inborn genetic diseases. Identifiers: MedGen C0950123, MeSH D030342.

gnomAD v4.1: 1 of 1,522,680 alleles (0.000066%); highest among the groups gnomAD compares: Admixed American, 0.0018%; no homozygotes.

Submission:

Ambry Genetics
Classification: Uncertain significance for Inborn genetic diseases. Last evaluated: 2025-06-28. Review status: criteria provided, single submitter. Criteria: Ambry Variant Classification Scheme 2023. Collection method: clinical testing. Allele origin: germline.
Comment: The p.L390P variant (also known as c.1169T>C), located in coding exon 5 of the SH2B3 gene, results from a T to C substitution at nucleotide position 1169. The leucine at codon 390 is replaced by proline, an amino acid with similar properties. This amino acid position is conserved. In addition, this alteration is predicted to be deleterious by in silico analysis. Based on the available evidence, the clinical significance of this variant remains unclear.